The following is an entry in ClinVar:

ClinVar aggregate classification (germline): Likely pathogenic (1 of 4 stars; one submission).

Conditions:
PCNT-related disorder. Also called: PCNT-related condition.

Submission:

PreventionGenetics, part of Exact Sciences
Classification: Likely pathogenic for PCNT-related condition. Last evaluated: 2026-06-25. Review status: criteria provided, single submitter. Criteria: ACMG Guidelines, 2015. Collection method: clinical testing. Allele origin: germline.
Comment: The PCNT c.2710dupC variant is predicted to result in a frameshift and premature protein termination (p.Leu904Profs*66). To our knowledge, this variant has not been reported in the literature or in a large population database (gnomAD), indicating this variant is rare. Frameshift variants in PCNT are expected to be pathogenic. This variant is interpreted as likely pathogenic.

NM_006031.6(PCNT):c.2710dup (p.Leu904fs)

Gene: PCNT (pericentrin; plus strand). Cytogenetic location: 21q22.3.
Variant type: Duplication.
Coding change: c.2710dup on transcript NM_006031.6 (MANE Select); coding-DNA position 2710, one base duplicated (C; older notation c.2710dupC).
Protein change: p.Leu904fs; shifts the reading frame from leucine 904.
Molecular consequence: frameshift variant.
Genome position (GRCh38, 1-based): chr21:46,366,684, C duplicated; the last of 2 consecutive C bases (chr21:46,366,683-46,366,684); duplicating either gives the same sequence. VCF-style (leftmost placement, unchanged base first): chr21-46366682-T-TC. GRCh37 (hg19) VCF-style: chr21-47786597-T-TC.
Other names: c.2356dup, p.Leu786fs (NM_001315529.2); short protein forms L786fs, L904fs.
Identifiers: ClinVar variation 4995819 (VCV004995819.1).